The following is an entry in ClinVar:

ClinVar aggregate classification (germline): Uncertain significance (1 of 4 stars; one submission).

Conditions:
NLRP1-related disorder. Also called: NLRP1-related condition.

Submission:

PreventionGenetics, part of Exact Sciences
Classification: Uncertain significance for NLRP1-related condition. Last evaluated: 2025-09-10. Review status: criteria provided, single submitter. Criteria: ACMG Guidelines, 2015. Collection method: clinical testing. Allele origin: germline.
Comment: The NLRP1 c.3718C>A variant is predicted to result in the amino acid substitution p.Arg1240Ser. To our knowledge, this variant has not been reported in the literature or in a large population database (gnomAD), indicating this variant is rare. At this time, the clinical significance of this variant is uncertain due to the absence of conclusive functional and genetic evidence.

NM_033004.4(NLRP1):c.3718C>A (p.Arg1240Ser)

Gene: NLRP1 (NLR family pyrin domain containing 1; minus strand). Cytogenetic location: 17p13.2.
Variant type: single nucleotide variant.
Coding change: c.3718C>A on transcript NM_033004.4 (MANE Select); coding-DNA position 3718, C replaced by A.
Protein change: p.Arg1240Ser; replaces arginine 1240 with serine.
Molecular consequence: missense variant.
Genome position (GRCh38, 1-based): chr17:5,521,589, G>T on the plus strand (C>A on the coding strand, the complement: NLRP1 is on the minus strand). VCF-style: chr17-5521589-G-T. GRCh37 (hg19) VCF-style: chr17-5424909-G-T.
Other names: c.3730C>A, p.Arg1244Ser (NM_001033053.3); c.3718C>A, p.Arg1240Ser (NM_014922.5); c.3628C>A, p.Arg1210Ser (NM_033006.4, NM_033007.4); short protein forms R1244S, R1210S, R1240S.
Identifiers: ClinVar variation 4980997 (VCV004980997.1).
Genomic context (GRCh38, chr17:5,521,589, plus strand): 5'-GAATGGAGCAGTCACTTGGGATCAGGTAGAGGTGGAAGGTGACTTCCTCAGGATGGACGC[G>T]GTGGTAAAGCAACACCACAGAGGTGACGGGAATGAAGCGCAGGGCATTATGGATCATTTT-3'
Protein context (NP_127497.1, residues 1230-1250): PVTSVVLLYH[Arg1240Ser]VHPEEVTFHL